The following is an entry in ClinVar:

ClinVar aggregate classification (germline): Uncertain significance (1 of 4 stars; one submission).

Allele frequency attached by ClinVar (database versions not stated): gnomAD exomes below 0.00001; TOPMed below 0.00001.
gnomAD v4.1: 1 of 1,614,078 alleles (0.000062%); highest among the groups gnomAD compares: Non-Finnish European, 0.000085%; no homozygotes.

Submission:

Labcorp Genetics (formerly Invitae), Labcorp
Classification: Uncertain significance. Last evaluated: 2023-05-05. Review status: criteria provided, single submitter. Criteria: Invitae Variant Classification Sherloc (09022015). Collection method: clinical testing. Allele origin: germline.
Comment: In summary, the available evidence is currently insufficient to determine the role of this variant in disease. Therefore, it has been classified as a Variant of Uncertain Significance. Advanced modeling of protein sequence and biophysical properties (such as structural, functional, and spatial information, amino acid conservation, physicochemical variation, residue mobility, and thermodynamic stability) has been performed at Invitae for this missense variant, however the output from this modeling did not meet the statistical confidence thresholds required to predict the impact of this variant on HNF4A protein function. This variant has not been reported in the literature in individuals affected with HNF4A-related conditions. This variant is not present in population databases (gnomAD no frequency). This sequence change replaces arginine, which is basic and polar, with lysine, which is basic and polar, at codon 402 of the HNF4A protein (p.Arg402Lys).

NM_175914.5(HNF4A):c.1205G>A (p.Arg402Lys)

Gene: HNF4A (hepatocyte nuclear factor 4 alpha; plus strand). Cytogenetic location: 20q13.12.
Variant type: single nucleotide variant.
Coding change: c.1205G>A on transcript NM_175914.5 (MANE Select); coding-DNA position 1205, G replaced by A.
Protein change: p.Arg402Lys; replaces arginine 402 with lysine.
Molecular consequence: missense variant. On other transcripts: intron variant (3).
Genome position (GRCh38, 1-based): chr20:44,428,476, G>A. VCF-style: chr20-44428476-G-A. GRCh37 (hg19) VCF-style: chr20-43057116-G-A.
Other names: c.1271G>A, p.Arg424Lys (NM_000457.6); c.1250G>A, p.Arg417Lys (NM_001258355.2); c.1196G>A, p.Arg399Lys (NM_001287183.2); c.1177+19G>A (NM_001287182.2); c.1186+19G>A (NM_001030003.3); c.1252+19G>A (NM_178849.3); short protein forms R417K, R424K, R399K, R402K.
Identifiers: ClinVar variation 2959489 (VCV002959489.3), dbSNP rs2063839150, ClinGen allele CA409110253.